The following is an entry in ClinVar:

NM_001042492.3(NF1):c.3367G>T (p.Glu1123Ter)

Gene: NF1 (neurofibromin 1; plus strand). Cytogenetic location: 17q11.2.
Variant type: single nucleotide variant.
Coding change: c.3367G>T on transcript NM_001042492.3 (MANE Select); coding-DNA position 3367, G replaced by T.
Protein change: p.Glu1123Ter; replaces glutamic acid 1123 with a stop codon.
Molecular consequence: nonsense.
Genome position (GRCh38, 1-based): chr17:31,232,752, G>T. VCF-style: chr17-31232752-G-T. GRCh37 (hg19) VCF-style: chr17-29559770-G-T.
Other names: c.3367G>T, p.Glu1123Ter (NM_000267.4); short protein forms E1123*.
Identifiers: ClinVar variation 481993 (VCV000481993.14), dbSNP rs1555614940, ClinGen allele CA398989082.

ClinVar aggregate classification (germline): Pathogenic. Review status: criteria provided, multiple submitters, no conflicts (2 of 4 stars). 3 submissions from 3 submitters: Pathogenic (3). Last evaluated 2024-11-11.

Conditions:
Cardiovascular phenotype. Identifiers: MedGen CN230736.
Hereditary cancer-predisposing syndrome. Also called: Hereditary neoplastic syndrome; Neoplastic Syndromes, Hereditary; Tumor predisposition; Hereditary Cancer Syndrome. Identifiers: Orphanet 140162, MedGen C0027672, MeSH D009386, MONDO:0015356.
Neurofibromatosis, type 1 (NF1). Also called: VON RECKLINGHAUSEN DISEASE; Peripheral type neurofibromatosis; NEUROFIBROMATOSIS, TYPE I, SOMATIC; Neurofibromatosis, type I. Identifiers: Orphanet 636, MedGen C0027831, MONDO:0018975, OMIM 162200. Disease mechanism: loss of function.

Submissions (3):

Labcorp Genetics (formerly Invitae), Labcorp
Classification: Pathogenic for Neurofibromatosis, type 1. Last evaluated: 2024-11-11. Review status: criteria provided, single submitter. Criteria: Invitae Variant Classification Sherloc (09022015). Collection method: clinical testing. Allele origin: germline.
Comment: This sequence change creates a premature translational stop signal (p.Glu1123*) in the NF1 gene. It is expected to result in an absent or disrupted protein product. Loss-of-function variants in NF1 are known to be pathogenic (PMID: 10712197, 23913538). This variant is not present in population databases (gnomAD no frequency). This premature translational stop signal has been observed in individual(s) with neurofibromatosis type 1 (PMID: 10862084). ClinVar contains an entry for this variant (Variation ID: 481993). Algorithms developed to predict the effect of sequence changes on RNA splicing suggest that this variant may disrupt the consensus splice site. For these reasons, this variant has been classified as Pathogenic.

Ambry Genetics
Classification: Pathogenic for Cardiovascular phenotype; Hereditary cancer-predisposing syndrome. Last evaluated: 2024-11-07. Review status: criteria provided, single submitter. Criteria: Ambry Variant Classification Scheme 2023. Collection method: clinical testing. Allele origin: germline.
Comment: The p.E1123* pathogenic mutation (also known as c.3367G>T), located in coding exon 26 of the NF1 gene, results from a G to T substitution at nucleotide position 3367. This changes the amino acid from a glutamic acid to a stop codon within coding exon 26. This mutation has been identified in multiple unrelated patients meeting clinical diagnostic criterial for Neurofibromatosis Type 1 (NF1) (Messiaen LM et al. Hum. Mutat. 2000;15:541-55; Griffiths S et al. Fam. Cancer. 2007;6:21-34). In addition to the clinical data presented in the literature, this alteration is expected to result in loss of function by premature protein truncation or nonsense-mediated mRNA decay. As such, this alteration is interpreted as a disease-causing mutation.

Genome-Nilou Lab
Classification: Pathogenic for Neurofibromatosis, type 1. Last evaluated: 2022-03-15. Review status: criteria provided, single submitter. Criteria: ACMG Guidelines, 2015. Collection method: clinical testing. Allele origin: germline. Affected: no.

Literature cited by the submitters: PubMed 10712197 (cited by Labcorp Genetics (formerly Invitae), Labcorp); PubMed 23913538 (cited by Labcorp Genetics (formerly Invitae), Labcorp); PubMed 10862084 (cited by Labcorp Genetics (formerly Invitae), Labcorp and Ambry Genetics); PubMed 16944272 (cited by Ambry Genetics).